The following is an entry in ClinVar:

ClinVar aggregate classification (germline): Uncertain significance. Review status: criteria provided, multiple submitters, no conflicts (2 of 4 stars). 2 submissions from 2 submitters: Uncertain significance (2). Last evaluated 2024-09-02.

Conditions:
Inborn genetic diseases. Identifiers: MedGen C0950123, MeSH D030342.
Compton-North congenital myopathy (CMYO12). Identifiers: Orphanet 210163, MedGen C2675527, MONDO:0012929, OMIM 612540.

Allele frequency attached by ClinVar (database versions not stated): gnomAD exomes below 0.00001.
gnomAD v4.1: 3 of 1,613,912 alleles (0.00019%); highest among the groups gnomAD compares: Non-Finnish European, 0.00025%; no homozygotes.

Submissions (2):

Ambry Genetics
Classification: Uncertain significance for Inborn genetic diseases. Last evaluated: 2024-09-02. Review status: criteria provided, single submitter. Criteria: Ambry Variant Classification Scheme 2023. Collection method: clinical testing. Allele origin: germline.

Labcorp Genetics (formerly Invitae), Labcorp
Classification: Uncertain significance for Compton-North congenital myopathy. Last evaluated: 2023-05-08. Review status: criteria provided, single submitter. Criteria: Invitae Variant Classification Sherloc (09022015). Collection method: clinical testing. Allele origin: germline.
Comment: In summary, the available evidence is currently insufficient to determine the role of this variant in disease. Therefore, it has been classified as a Variant of Uncertain Significance. Advanced modeling of protein sequence and biophysical properties (such as structural, functional, and spatial information, amino acid conservation, physicochemical variation, residue mobility, and thermodynamic stability) performed at Invitae indicates that this missense variant is not expected to disrupt CNTN1 protein function. ClinVar contains an entry for this variant (Variation ID: 2011613). This variant has not been reported in the literature in individuals affected with CNTN1-related conditions. This variant is present in population databases (no rsID available, gnomAD 0.0009%). This sequence change replaces serine, which is neutral and polar, with asparagine, which is neutral and polar, at codon 1001 of the CNTN1 protein (p.Ser1001Asn).

NM_001843.4(CNTN1):c.3002G>A (p.Ser1001Asn)

Gene: CNTN1 (contactin 1; plus strand). Cytogenetic location: 12q12.
Variant type: single nucleotide variant.
Coding change: c.3002G>A on transcript NM_001843.4 (MANE Select); coding-DNA position 3002, G replaced by A.
Protein change: p.Ser1001Asn; replaces serine 1001 with asparagine.
Molecular consequence: missense variant.
Genome position (GRCh38, 1-based): chr12:41,069,980, G>A. VCF-style: chr12-41069980-G-A. GRCh37 (hg19) VCF-style: chr12-41463782-G-A.
Other names: c.2969G>A, p.Ser990Asn (NM_175038.2); c.3002G>A (NM_001843.2); short protein forms S990N, S1001N.
Identifiers: ClinVar variation 2011613 (VCV002011613.5), dbSNP rs1303752045, ClinGen allele CA384590014.
Genomic context (GRCh38, chr12:41,069,980, plus strand): 5'-TCAATGAAATAATATGCACACTTTTGGTTTACCTTGCAGGTGCACCCACCCTATCCCCAA[G>A]TCTTCTCGGCTTACTGCTGCCTGCCTTTGGCATCCTTGTCTACTTGGAATTCTGAATGTG-3'
Protein context (NP_001834.2, residues 991-1011): KISGAPTLSP[Ser1001Asn]LLGLLLPAFG